The following is an entry in ClinVar:

ClinVar aggregate classification (germline): Benign (1 of 4 stars; one submission).

Conditions:
Parietal foramina 2 (PFM2). Identifiers: Orphanet 60015, MedGen C1865044, MONDO:0012309, OMIM 609597.

Allele frequency attached by ClinVar (database versions not stated): gnomAD 0.00635 and 0.00740; TOPMed 0.00870; 1000 Genomes Project 30x 0.01265; 1000 Genomes Project 0.01458.

Submission:

Illumina Laboratory Services, Illumina
Classification: Benign for Parietal foramina 2. Last evaluated: 2018-01-13. Review status: criteria provided, single submitter. Criteria: ICSL Variant Classification Criteria 13 December 2019. Collection method: clinical testing. Allele origin: germline.
Comment: This variant was observed in the ICSL laboratory as part of a predisposition screen in an ostensibly healthy population. It had not been previously curated by ICSL or reported in the Human Gene Mutation Database (HGMD: prior to June 1st, 2018), and was therefore a candidate for classification through an automated scoring system. Utilizing variant allele frequency, disease prevalence and penetrance estimates, and inheritance mode, an automated score was calculated to assess if this variant is too frequent to cause the disease. Based on the score and internal cut-off values, a variant classified as benign is not then subjected to further curation. The score for this variant resulted in a classification of benign for this disease.

NM_021926.4(ALX4):c.*2507G>A

Gene: ALX4 (ALX homeobox 4; minus strand). Cytogenetic location: 11p11.2.
Variant type: single nucleotide variant.
Coding change: c.*2507G>A on transcript NM_021926.4 (MANE Select); 2507 bases downstream of the stop codon, G replaced by A.
Molecular consequence: 3 prime UTR variant.
Genome position (GRCh38, 1-based): chr11:44,262,347, C>T on the plus strand (G>A on the coding strand, the complement: ALX4 is on the minus strand). VCF-style: chr11-44262347-C-T. GRCh37 (hg19) VCF-style: chr11-44283897-C-T.
Other names: c.*2507G>A (LRG_1256t1).
Identifiers: ClinVar variation 304636 (VCV000304636.5), dbSNP rs75369525, ClinGen allele CA10638520.